The following is an entry in ClinVar:

NM_000051.4(ATM):c.2112T>G (p.Asn704Lys)

Gene: ATM (ATM serine/threonine kinase; plus strand). Cytogenetic location: 11q22.3.
Variant type: single nucleotide variant.
Coding change: c.2112T>G on transcript NM_000051.4 (MANE Select); coding-DNA position 2112, T replaced by G.
Protein change: p.Asn704Lys; replaces asparagine 704 with lysine.
Molecular consequence: missense variant.
Genome position (GRCh38, 1-based): chr11:108,254,027, T>G. VCF-style: chr11-108254027-T-G. GRCh37 (hg19) VCF-style: chr11-108124754-T-G.
Other names: c.2112T>G, p.Asn704Lys (NM_001351834.2); short protein forms N704K.
Identifiers: ClinVar variation 1715382 (VCV001715382.5), dbSNP rs2080317012, ClinGen allele CA382537743.

ClinVar aggregate classification (germline): Uncertain significance (1 of 4 stars; one submission).

Conditions:
Ataxia-telangiectasia syndrome (AT). Also called: Cerebello-oculocutaneous telangiectasia; ATAXIA-TELANGIECTASIA, COMPLEMENTATION GROUP A; ATAXIA-TELANGIECTASIA, FRESNO VARIANT; Ataxia-telangiectasia, complementation group D; AT, COMPLEMENTATION GROUP C; Immunodeficiency with ataxia telangiectasia. Identifiers: Orphanet 100, MedGen C0004135, MONDO:0008840, OMIM 208900.

Submission:

Labcorp Genetics (formerly Invitae), Labcorp
Classification: Uncertain significance for Ataxia-telangiectasia syndrome. Last evaluated: 2022-08-06. Review status: criteria provided, single submitter. Criteria: Invitae Variant Classification Sherloc (09022015). Collection method: clinical testing. Allele origin: germline.
Comment: In summary, the available evidence is currently insufficient to determine the role of this variant in disease. Therefore, it has been classified as a Variant of Uncertain Significance. Advanced modeling of protein sequence and biophysical properties (such as structural, functional, and spatial information, amino acid conservation, physicochemical variation, residue mobility, and thermodynamic stability) performed at Invitae indicates that this missense variant is not expected to disrupt ATM protein function. This variant has not been reported in the literature in individuals affected with ATM-related conditions. This variant is not present in population databases (gnomAD no frequency). This sequence change replaces asparagine, which is neutral and polar, with lysine, which is basic and polar, at codon 704 of the ATM protein (p.Asn704Lys).